The following is an entry in ClinVar:

NM_004727.3(SLC24A1):c.847C>T (p.Pro283Ser)

Gene: SLC24A1 (solute carrier family 24 member 1; plus strand). Cytogenetic location: 15q22.31.
Variant type: single nucleotide variant.
Coding change: c.847C>T on transcript NM_004727.3 (MANE Select); coding-DNA position 847, C replaced by T.
Protein change: p.Pro283Ser; replaces proline 283 with serine.
Molecular consequence: missense variant.
Genome position (GRCh38, 1-based): chr15:65,624,927, C>T. VCF-style: chr15-65624927-C-T. GRCh37 (hg19) VCF-style: chr15-65917265-C-T.
Other names: c.847C>T, p.Pro283Ser (NM_001301031.1, NM_001301032.1, NM_001301033.2); c.847C>T (NM_004727.2); short protein forms P283S.
Identifiers: ClinVar variation 1486905 (VCV001486905.7), dbSNP rs956792845, ClinGen allele CA392915607.

ClinVar aggregate classification (germline): Uncertain significance. Review status: criteria provided, multiple submitters, no conflicts (2 of 4 stars). 2 submissions from 2 submitters: Uncertain significance (2). Last evaluated 2024-03-25.

Conditions:
Inborn genetic diseases. Identifiers: MedGen C0950123, MeSH D030342.

Allele frequency attached by ClinVar (database versions not stated): gnomAD exomes below 0.00001.
gnomAD v4.1: 24 of 1,613,170 alleles (0.0015%); highest among the groups gnomAD compares: Non-Finnish European, 0.002%; no homozygotes.

Submissions (2):

Ambry Genetics
Classification: Uncertain significance for Inborn genetic diseases. Last evaluated: 2024-03-25. Review status: criteria provided, single submitter. Criteria: Ambry Variant Classification Scheme 2023. Collection method: clinical testing. Allele origin: germline.

Labcorp Genetics (formerly Invitae), Labcorp
Classification: Uncertain significance. Last evaluated: 2021-04-14. Review status: criteria provided, single submitter. Criteria: Invitae Variant Classification Sherloc (09022015). Collection method: clinical testing. Allele origin: germline.
Comment: In summary, the available evidence is currently insufficient to determine the role of this variant in disease. Therefore, it has been classified as a Variant of Uncertain Significance. Algorithms developed to predict the effect of missense changes on protein structure and function output the following: SIFT: "Tolerated"; PolyPhen-2: "Benign"; Align-GVGD: "Class C0". The serine amino acid residue is found in multiple mammalian species, suggesting that this missense change does not adversely affect protein function. These predictions have not been confirmed by published functional studies and their clinical significance is uncertain. This variant has not been reported in the literature in individuals with SLC24A1-related conditions. This variant is not present in population databases (ExAC no frequency). This sequence change replaces proline with serine at codon 283 of the SLC24A1 protein (p.Pro283Ser). The proline residue is weakly conserved and there is a moderate physicochemical difference between proline and serine.